The following is an entry in ClinVar:

NM_013382.7(POMT2):c.2175C>T (p.Tyr725=)

Gene: POMT2 (protein O-mannosyltransferase 2; minus strand). Cytogenetic location: 14q24.3.
Variant type: single nucleotide variant.
Coding change: c.2175C>T on transcript NM_013382.7 (MANE Select); coding-DNA position 2175, C replaced by T.
Protein change: p.Tyr725=; no amino-acid change (tyrosine 725 retained).
Molecular consequence: synonymous variant.
Genome position (GRCh38, 1-based): chr14:77,277,454, G>A on the plus strand (C>T on the coding strand, the complement: POMT2 is on the minus strand). VCF-style: chr14-77277454-G-A. GRCh37 (hg19) VCF-style: chr14-77743797-G-A.
Other names: p.Y725Y:TAC>TAT; p.Tyr725=.
Identifiers: ClinVar variation 138788 (VCV000138788.17), dbSNP rs116434191, ClinGen allele CA292894.

ClinVar aggregate classification (germline): Benign. Review status: criteria provided, multiple submitters, no conflicts (2 of 4 stars). 5 submissions from 5 submitters: Benign (5). Last evaluated 2026-01-31.

Conditions:
Muscular dystrophy-dystroglycanopathy (congenital with brain and eye anomalies), type A2. Also called: WALKER-WARBURG SYNDROME OR MUSCLE-EYE-BRAIN DISEASE, POMT2-RELATED; MUSCULAR DYSTROPHY-DYSTROGLYCANOPATHY (CONGENITAL WITH BRAIN AND EYE ANOMALIES), TYPE A, 2. Identifiers: Orphanet 588, Orphanet 899, MedGen C3150411, MONDO:0013154, OMIM 613150.
Muscular dystrophy-dystroglycanopathy (congenital with impaired intellectual development), type B, 2. Also called: MUSCULAR DYSTROPHY, CONGENITAL, POMT2-RELATED; Muscular dystrophy-dystroglycanopathy (congenital with intellectual disability), type B2. Identifiers: MedGen C3150416, MONDO:0013160, OMIM 613156.
Autosomal recessive limb-girdle muscular dystrophy type 2N. Also called: MUSCULAR DYSTROPHY-DYSTROGLYCANOPATHY, LIMB-GIRDLE, POMT2-RELATED; Muscular dystrophy-dystroglycanopathy (limb-girdle), type C, 2. Identifiers: Orphanet 206559, MedGen C3150418, MONDO:0013162, OMIM 613158.

Allele frequency attached by ClinVar (database versions not stated): gnomAD exomes 0.00065 and 0.00156; gnomAD 0.00610 and 0.00658; 1000 Genomes Project 0.00679; TOPMed 0.00715; ExAC 0.00208; 1000 Genomes Project 30x 0.00750; ESP Exome Variant Server 0.00792.
gnomAD v4.1: 1,911 of 1,613,812 alleles (0.12%); highest among the groups gnomAD compares: African/African-American, 2.2%; 18 homozygotes.

Submissions (5):

Labcorp Genetics (formerly Invitae), Labcorp
Classification: Benign for Muscular dystrophy-dystroglycanopathy (congenital with impaired intellectual development), type B, 2; Muscular dystrophy-dystroglycanopathy (congenital with brain and eye anomalies), type A2; Autosomal recessive limb-girdle muscular dystrophy type 2N. Last evaluated: 2026-01-31. Review status: criteria provided, single submitter. Criteria: Invitae Variant Classification Sherloc (09022015). Collection method: clinical testing. Allele origin: germline.

Mayo Clinic Laboratories, Mayo Clinic
Classification: Benign. Last evaluated: 2024-08-09. Review status: criteria provided, single submitter. Criteria: ACMG Guidelines, 2015. Collection method: clinical testing. Allele origin: germline. Observed: 7 variant alleles.

Illumina Laboratory Services, Illumina
Classification: Benign for Autosomal recessive limb-girdle muscular dystrophy type 2N. Last evaluated: 2017-10-23. Review status: criteria provided, single submitter. Criteria: ICSL Variant Classification Criteria 13 December 2019. Collection method: clinical testing. Allele origin: germline.
Comment: This variant was observed as part of a predisposition screen in an ostensibly healthy population. A literature search was performed for the gene, cDNA change, and amino acid change (where applicable). No publications were found based on this search. Allele frequency data from public databases was too high to be consistent with this variant causing disease. Therefore, this variant is classified as benign.

GeneDx
Classification: Benign. Last evaluated: 2014-05-27. Review status: criteria provided, single submitter. Criteria: GeneDx Variant Classification (06012015). Collection method: clinical testing. Allele origin: germline. Affected: yes.
Comment: This variant is considered likely benign or benign based on one or more of the following criteria: it is a conservative change, it occurs at a poorly conserved position in the protein, it is predicted to be benign by multiple in silico algorithms, and/or has population frequency not consistent with disease.

PreventionGenetics, part of Exact Sciences
Classification: Benign. Review status: criteria provided, single submitter. Criteria: ACMG Guidelines, 2015. Collection method: clinical testing. Allele origin: germline.